The following is an entry in ClinVar:

ClinVar aggregate classification (germline): Conflicting classifications of pathogenicity. Review status: criteria provided, conflicting classifications (1 of 4 stars). 3 submissions from 3 submitters: Uncertain significance (2); Likely benign (1). Last evaluated 2025-12-22.

Conditions:
Inborn genetic diseases. Identifiers: MedGen C0950123, MeSH D030342.

Allele frequency attached by ClinVar (database versions not stated): gnomAD 0.00001 and 0.00003; TOPMed 0.00002; ExAC 0.00007.
gnomAD v4.1: 83 of 1,614,030 alleles (0.0051%); highest among the groups gnomAD compares: South Asian, 0.045%; 1 homozygote.

Submissions (3):

GeneDx
Classification: Uncertain significance. Last evaluated: 2025-12-22. Review status: criteria provided, single submitter. Criteria: GeneDx Variant Classification Process June 2021. Collection method: clinical testing. Allele origin: germline. Affected: yes.
Comment: In silico analysis supports that this missense variant has a deleterious effect on protein structure/function; Has not been previously published as pathogenic or benign to our knowledge

Labcorp Genetics (formerly Invitae), Labcorp
Classification: Uncertain significance. Last evaluated: 2025-06-20. Review status: criteria provided, single submitter. Criteria: Invitae Variant Classification Sherloc (09022015). Collection method: clinical testing. Allele origin: germline.
Comment: This sequence change replaces threonine, which is neutral and polar, with alanine, which is neutral and non-polar, at codon 3010 of the VPS13A protein (p.Thr3010Ala). This variant is present in population databases (rs759236506, gnomAD 0.03%). This variant has not been reported in the literature in individuals affected with VPS13A-related conditions. ClinVar contains an entry for this variant (Variation ID: 1326391). Invitae Evidence Modeling of protein sequence and biophysical properties (such as structural, functional, and spatial information, amino acid conservation, physicochemical variation, residue mobility, and thermodynamic stability) indicates that this missense variant is expected to disrupt VPS13A protein function with a positive predictive value of 80%. In summary, the available evidence is currently insufficient to determine the role of this variant in disease. Therefore, it has been classified as a Variant of Uncertain Significance.

Ambry Genetics
Classification: Likely benign for Inborn genetic diseases. Last evaluated: 2023-05-23. Review status: criteria provided, single submitter. Criteria: Ambry Variant Classification Scheme 2023. Collection method: clinical testing. Allele origin: germline.

NM_033305.3(VPS13A):c.9028A>G (p.Thr3010Ala)

Gene: VPS13A (vacuolar protein sorting 13 homolog A; plus strand). Cytogenetic location: 9q21.2.
Variant type: single nucleotide variant.
Coding change: c.9028A>G on transcript NM_033305.3 (MANE Select); coding-DNA position 9028, A replaced by G.
Protein change: p.Thr3010Ala; replaces threonine 3010 with alanine.
Molecular consequence: missense variant.
Genome position (GRCh38, 1-based): chr9:77,371,100, A>G. VCF-style: chr9-77371100-A-G. GRCh37 (hg19) VCF-style: chr9-79986016-A-G.
Other names: c.8911A>G, p.Thr2971Ala (NM_001018037.2); c.9028A>G, p.Thr3010Ala (NM_001018038.3, NM_015186.4); short protein forms T2971A, T3010A.
Identifiers: ClinVar variation 1326391 (VCV001326391.9), dbSNP rs759236506, ClinGen allele CA5093841.
Genomic context (GRCh38, chr9:77,371,100, plus strand): 5'-GGAGCAGCTGGTTTCTTTAAAGGTGTTGGGAAAGGTTTAGTAGGAGCGGTAGCAAGGCCA[A>G]CTGGAGGCATCATAGACATGGCTAGCAGTACATTTCAGGGAATAAAAAGGTAAATCCTCT-3'
Protein context (NP_150648.2, residues 3000-3020): KGLVGAVARP[Thr3010Ala]GGIIDMASST